The following is an entry in ClinVar:

ClinVar aggregate classification (germline): Likely pathogenic (1 of 4 stars; one submission).

Submission:

Labcorp Genetics (formerly Invitae), Labcorp
Classification: Likely pathogenic. Last evaluated: 2025-08-14. Review status: criteria provided, single submitter. Criteria: Invitae Variant Classification Sherloc (09022015). Collection method: clinical testing. Allele origin: germline.
Comment: This sequence change affects a donor splice site in intron 2 of the FRMD7 gene. It is expected to disrupt RNA splicing. Variants that disrupt the donor or acceptor splice site typically lead to a loss of protein function (PMID: 16199547), and loss-of-function variants in FRMD7 are known to be pathogenic (PMID: 17013395). This variant is not present in population databases (gnomAD no frequency). Disruption of this splice site has been observed in individual(s) with infantile nystagmus (PMID: 28623544, 35705619). ClinVar contains an entry for this variant (Variation ID: 3618441). Algorithms developed to predict the effect of sequence changes on RNA splicing suggest that this variant may disrupt the consensus splice site. In summary, the currently available evidence indicates that the variant is pathogenic, but additional data are needed to prove that conclusively. Therefore, this variant has been classified as Likely Pathogenic.

Literature cited by the submitters: PubMed 16199547; PubMed 17013395; PubMed 28623544; PubMed 35705619.

NM_194277.3(FRMD7):c.162+2T>G

Gene: FRMD7 (FERM domain containing 7; minus strand). Cytogenetic location: Xq26.2.
Variant type: single nucleotide variant.
Coding change: c.162+2T>G on transcript NM_194277.3 (MANE Select); the canonical splice donor site of the intron after coding-DNA position 162, T replaced by G.
Molecular consequence: splice donor variant.
Genome position (GRCh38, 1-based): chrX:132,100,610, A>C on the plus strand (T>G on the coding strand, the complement: FRMD7 is on the minus strand). VCF-style: chrX-132100610-A-C. GRCh37 (hg19) VCF-style: chrX-131234638-A-C.
Other names: c.162+2T>G (NM_001306193.2).
Identifiers: ClinVar variation 3618441 (VCV003618441.2).